The following is an entry in ClinVar:

NM_001172509.2(SATB2):c.1404G>A (p.Pro468=)

Gene: SATB2 (SATB homeobox 2; minus strand). Cytogenetic location: 2q33.1.
Variant type: single nucleotide variant.
Coding change: c.1404G>A on transcript NM_001172509.2 (MANE Select); coding-DNA position 1404, G replaced by A.
Protein change: p.Pro468=; no amino-acid change (proline 468 retained).
Molecular consequence: synonymous variant.
Genome position (GRCh38, 1-based): chr2:199,323,941, C>T on the plus strand (G>A on the coding strand, the complement: SATB2 is on the minus strand). VCF-style: chr2-199323941-C-T. GRCh37 (hg19) VCF-style: chr2-200188664-C-T.
Other names: c.1404G>A, p.Pro468= (NM_001172517.1, NM_015265.4); c.1404G>A (NM_015265.3).
Identifiers: ClinVar variation 1593078 (VCV001593078.9), dbSNP rs542911998, ClinGen allele CA2045890.
Genomic context (GRCh38, chr2:199,323,941, plus strand): 5'-ATAAATGGCAGCTGTGATGTTGATGTTGGCGCCGTCCACCTTAATAGGGAGGTCTGTTGT[C>T]GGTGTCGAGGTTTTGGCCTACCAAGAGACCATGAAAATAATAATTTAAAAAGTGCTGCAT-3'
Protein context (NP_001165980.1, residues 458-478): SRTPQAKTST[Pro468=]TTDLPIKVDG

ClinVar aggregate classification (germline): Likely benign. Review status: criteria provided, multiple submitters, no conflicts (2 of 4 stars). 2 submissions from 2 submitters: Likely benign (2). Last evaluated 2025-06-29.

Conditions:
SATB2-related disorder. Also called: SATB2-related condition.
Chromosome 2q32-q33 deletion syndrome (GLASS). Also called: 2q33.1 deletion syndrome; Glass syndrome. Identifiers: Orphanet 251019, MedGen C2676739, MONDO:0012864, OMIM 612313.

Allele frequency attached by ClinVar (database versions not stated): gnomAD 0.00002 and 0.00003; gnomAD exomes 0.00002 and 0.00003; TOPMed 0.00003; ExAC 0.00004; 1000 Genomes Project 30x 0.00016; 1000 Genomes Project 0.00020.
gnomAD v4.1: 33 of 1,613,200 alleles (0.002%); highest among the groups gnomAD compares: Middle Eastern, 0.017%; no homozygotes.

Submissions (2):

Labcorp Genetics (formerly Invitae), Labcorp
Classification: Likely benign for Chromosome 2q32-q33 deletion syndrome. Last evaluated: 2025-06-29. Review status: criteria provided, single submitter. Criteria: Invitae Variant Classification Sherloc (09022015). Collection method: clinical testing. Allele origin: germline.

PreventionGenetics, part of Exact Sciences
Classification: Likely benign for SATB2-related condition. Last evaluated: 2024-11-22. Review status: criteria provided, single submitter. Criteria: ACMG Guidelines, 2015. Collection method: clinical testing. Allele origin: germline.
Comment: This variant is classified as likely benign based on ACMG/AMP sequence variant interpretation guidelines (Richards et al. 2015 PMID: 25741868, with internal and published modifications).